The following is an entry in ClinVar:

NM_017425.4(SPA17):c.180G>A (p.Trp60Ter)

Gene: SPA17 (sperm autoantigenic protein 17; plus strand). Cytogenetic location: 11q24.2.
Variant type: single nucleotide variant.
Coding change: c.180G>A on transcript NM_017425.4 (MANE Select); coding-DNA position 180, G replaced by A.
Protein change: p.Trp60Ter; replaces tryptophan 60 with a stop codon.
Molecular consequence: nonsense.
Genome position (GRCh38, 1-based): chr11:124,681,414, G>A. VCF-style: chr11-124681414-G-A. GRCh37 (hg19) VCF-style: chr11-124551310-G-A.
Other names: short protein forms W60*.
Identifiers: ClinVar variation 4880144 (VCV004880144.1).

ClinVar aggregate classification (germline): Likely pathogenic (1 of 4 stars; one submission).

Conditions:
Primary ciliary dyskinesia. Also called: Ciliary dyskinesia. Identifiers: Orphanet 244, MedGen C0008780, MONDO:0016575, HP:0012265.

gnomAD v4.1: 3 of 1,578,636 alleles (0.00019%); highest among the groups gnomAD compares: Non-Finnish European, 0.00017%; no homozygotes.

Submission:

Department of Human Genetics, Hannover Medical School
Classification: Likely pathogenic for Primary Ciliary Dyskinesia. Last evaluated: 2026-04-01. Review status: criteria provided, single submitter. Criteria: ACMG Guidelines, 2015. Collection method: research. Allele origin: germline. Affected: no.
Comment: Classification performed by HerediClassify using the following criteria:['PM2_supporting: Variant occures does not occur as homozygous in gnomAD.', 'PVS1_protein_strong: Transcript ENST00000227135 is not predicted to undergo NMD. Protein length change of 0.609271523178808 observed.', "PP4_supporting: The modified PICADAR socre of 2.0 exceeds threshold of 2 achieving 'supporting' evidence strength."]